The following is an entry in ClinVar:

ClinVar aggregate classification (germline): Uncertain significance. Review status: criteria provided, multiple submitters, no conflicts (2 of 4 stars). 4 submissions from 4 submitters: Uncertain significance (4). Last evaluated 2025-08-07.

Conditions:
Hereditary cancer-predisposing syndrome. Also called: Tumor predisposition; Neoplastic Syndromes, Hereditary; Hereditary neoplastic syndrome; Hereditary Cancer Syndrome. Identifiers: Orphanet 140162, MedGen C0027672, MeSH D009386, MONDO:0015356.
Familial adenomatous polyposis 1 (FAP1). Also called: POLYPOSIS, ADENOMATOUS INTESTINAL; FAMILIAL ADENOMATOUS POLYPOSIS 1, ATTENUATED. Identifiers: MedGen C2713442, MONDO:0021056, OMIM 175100. Disease mechanism: loss of function.

Submissions (4):

Labcorp Genetics (formerly Invitae), Labcorp
Classification: Uncertain significance for Familial adenomatous polyposis 1. Last evaluated: 2025-08-07. Review status: criteria provided, single submitter. Criteria: Invitae Variant Classification Sherloc (09022015). Collection method: clinical testing. Allele origin: germline.
Comment: This sequence change replaces histidine, which is basic and polar, with leucine, which is neutral and non-polar, at codon 408 of the APC protein (p.His408Leu). This variant is not present in population databases (gnomAD no frequency). This variant has not been reported in the literature in individuals affected with APC-related conditions. ClinVar contains an entry for this variant (Variation ID: 631317). Invitae Evidence Modeling of protein sequence and biophysical properties (such as structural, functional, and spatial information, amino acid conservation, physicochemical variation, residue mobility, and thermodynamic stability) indicates that this missense variant is not expected to disrupt APC protein function with a negative predictive value of 95%. In summary, the available evidence is currently insufficient to determine the role of this variant in disease. Therefore, it has been classified as a Variant of Uncertain Significance.

Ambry Genetics
Classification: Uncertain significance for Hereditary cancer-predisposing syndrome. Last evaluated: 2024-11-14. Review status: criteria provided, single submitter. Criteria: Ambry Variant Classification Scheme 2023. Collection method: clinical testing. Allele origin: germline.
Comment: The p.H408L variant (also known as c.1223A>T), located in coding exon 9 of the APC gene, results from an A to T substitution at nucleotide position 1223. The histidine at codon 408 is replaced by leucine, an amino acid with similar properties. This amino acid position is highly conserved in available vertebrate species. In addition, in silico predictors for this gene do not accurately predict pathogenicity. Missense alterations in APC are not a common cause of disease (Spier I et al. Genet Med. 2024 Feb;26(2):100992). Based on the available evidence, the clinical significance of this variant remains unclear.

GeneDx
Classification: Uncertain significance. Last evaluated: 2023-07-06. Review status: criteria provided, single submitter. Criteria: GeneDx Variant Classification Process June 2021. Collection method: clinical testing. Allele origin: germline. Affected: yes.
Comment: Not observed at significant frequency in large population cohorts (gnomAD); In silico analysis supports that this missense variant has a deleterious effect on protein structure/function; Has not been previously published as pathogenic or benign to our knowledge; In silico analysis suggests this variant may impact gene splicing. In the absence of RNA/functional studies, the actual effect of this sequence change is unknown.

Color Diagnostics, LLC DBA Color Health
Classification: Uncertain significance for Hereditary cancer-predisposing syndrome. Last evaluated: 2019-02-09. Review status: criteria provided, single submitter. Criteria: ACMG Guidelines, 2015. Collection method: clinical testing. Allele origin: germline.

NM_000038.6(APC):c.1223A>T (p.His408Leu)

Gene: APC (APC regulator of Wnt signaling pathway; plus strand). Cytogenetic location: 5q22.2.
Variant type: single nucleotide variant.
Coding change: c.1223A>T on transcript NM_000038.6 (MANE Select); coding-DNA position 1223, A replaced by T.
Protein change: p.His408Leu; replaces histidine 408 with leucine.
Molecular consequence: missense variant. On other transcripts: intron variant (4).
Genome position (GRCh38, 1-based): chr5:112,819,255, A>T. VCF-style: chr5-112819255-A-T. GRCh37 (hg19) VCF-style: chr5-112154952-A-T.
Other names: c.1223A>T, p.His408Leu (NM_001127510.3, NM_001354895.2, NM_001354896.2); c.1169A>T, p.His390Leu (NM_001127511.3); c.1253A>T, p.His418Leu (NM_001354897.2); c.1148A>T, p.His383Leu (NM_001354898.2); c.1139A>T, p.His380Leu (NM_001354899.2); c.1046A>T, p.His349Leu (NM_001354900.2, NM_001354901.2); c.374A>T, p.His125Leu (NM_001354906.2); c.964-14A>T (NM_001354902.2); and 3 more; short protein forms H408L, H390L, H380L, H383L, H125L, H349L, H418L.
Identifiers: ClinVar variation 631317 (VCV000631317.12), dbSNP rs890378836, ClinGen allele CA16023979.